The following is an entry in ClinVar:

ClinVar aggregate classification (germline): Uncertain significance (1 of 4 stars; one submission).

Submission:

Labcorp Genetics (formerly Invitae), Labcorp
Classification: Uncertain significance. Last evaluated: 2023-11-07. Review status: criteria provided, single submitter. Criteria: Invitae Variant Classification Sherloc (09022015). Collection method: clinical testing. Allele origin: germline.
Comment: This sequence change replaces asparagine, which is neutral and polar, with aspartic acid, which is acidic and polar, at codon 1216 of the LRP2 protein (p.Asn1216Asp). This variant is not present in population databases (gnomAD no frequency). This variant has not been reported in the literature in individuals affected with LRP2-related conditions. Advanced modeling of protein sequence and biophysical properties (such as structural, functional, and spatial information, amino acid conservation, physicochemical variation, residue mobility, and thermodynamic stability) performed at Invitae indicates that this missense variant is not expected to disrupt LRP2 protein function with a negative predictive value of 95%. In summary, the available evidence is currently insufficient to determine the role of this variant in disease. Therefore, it has been classified as a Variant of Uncertain Significance.

NM_004525.3(LRP2):c.3646A>G (p.Asn1216Asp)

Gene: LRP2 (LDL receptor related protein 2; minus strand). Cytogenetic location: 2q31.1.
Variant type: single nucleotide variant.
Coding change: c.3646A>G on transcript NM_004525.3 (MANE Select); coding-DNA position 3646, A replaced by G.
Protein change: p.Asn1216Asp; replaces asparagine 1216 with aspartic acid.
Molecular consequence: missense variant.
Genome position (GRCh38, 1-based): chr2:169,242,977, T>C on the plus strand (A>G on the coding strand, the complement: LRP2 is on the minus strand). VCF-style: chr2-169242977-T-C. GRCh37 (hg19) VCF-style: chr2-170099487-T-C.
Other names: short protein forms N1216D.
Identifiers: ClinVar variation 2694204 (VCV002694204.3), dbSNP rs2528381839, ClinGen allele CA349149787.
Genomic context (GRCh38, chr2:169,242,977, plus strand): 5'-ACCCCTTTGTCTGAAACATTCTGGGTATGTGTTACTTACGACAGCCTGCTTCATCCGAGT[T>C]GTCACTGCAATCAAAAACACCATCACAACGATTTGTGACGCCAATACATTTATCCCCACT-3'
Protein context (NP_004516.2, residues 1206-1226): RCDGVFDCSD[Asn1216Asp]SDEAGCPTRP